The following is an entry in ClinVar:

ClinVar aggregate classification (germline): Uncertain significance. Review status: criteria provided, multiple submitters, no conflicts (2 of 4 stars). 3 submissions from 3 submitters: Uncertain significance (2). 1 of the submissions does not count toward it. Last evaluated 2025-07-19.

Conditions:
LZTR1-related disorder. Also called: LZTR1-related disorders; LZTR1-related condition.
Hereditary cancer-predisposing syndrome. Also called: Hereditary neoplastic syndrome; Neoplastic Syndromes, Hereditary; Tumor predisposition; Hereditary Cancer Syndrome. Identifiers: Orphanet 140162, MedGen C0027672, MeSH D009386, MONDO:0015356.
Cardiovascular phenotype. Identifiers: MedGen CN230736.

Submissions (3):

Ambry Genetics
Classification: Uncertain significance for Cardiovascular phenotype; Hereditary cancer-predisposing syndrome. Last evaluated: 2025-07-19. Review status: criteria provided, single submitter. Criteria: Ambry Variant Classification Scheme 2023. Collection method: clinical testing. Allele origin: germline.
Comment: The p.L307P variant (also known as c.920T>C), located in coding exon 9 of the LZTR1 gene, results from a T to C substitution at nucleotide position 920. The leucine at codon 307 is replaced by proline, an amino acid with similar properties. This amino acid position is conserved. In addition, this alteration is predicted to be deleterious by in silico analysis. Based on the available evidence, the clinical significance of this variant remains unclear.

GeneDx
Classification: Uncertain significance. Last evaluated: 2020-01-28. Review status: criteria provided, single submitter. Criteria: GeneDx Variant Classification Process June 2021. Collection method: clinical testing. Allele origin: germline. Affected: yes.
Comment: Not observed in large population cohorts (Lek et al., 2016); In silico analysis, which includes protein predictors and evolutionary conservation, supports a deleterious effect; Has not been previously published as pathogenic or benign to our knowledge

PreventionGenetics, part of Exact Sciences
Classification: Uncertain significance for LZTR1-related condition. Last evaluated: 2024-08-02. Review status: no assertion criteria provided. Collection method: clinical testing. Allele origin: germline. Not counted in ClinVar's aggregate classification.
Comment: The LZTR1 c.920T>C variant is predicted to result in the amino acid substitution p.Leu307Pro. To our knowledge, this variant has not been reported in the literature or in a large population database, indicating this variant is rare. This variant is classified as a variant of uncertain significance in ClinVar. At this time, the clinical significance of this variant is uncertain due to the absence of conclusive functional and genetic evidence.

NM_006767.4(LZTR1):c.920T>C (p.Leu307Pro)

Gene: LZTR1 (leucine zipper like post translational regulator 1; plus strand). Cytogenetic location: 22q11.21.
Variant type: single nucleotide variant.
Coding change: c.920T>C on transcript NM_006767.4 (MANE Select); coding-DNA position 920, T replaced by C.
Protein change: p.Leu307Pro; replaces leucine 307 with proline.
Molecular consequence: missense variant.
Genome position (GRCh38, 1-based): chr22:20,991,756, T>C. VCF-style: chr22-20991756-T-C. GRCh37 (hg19) VCF-style: chr22-21346045-T-C.
Other names: short protein forms L307P.
Identifiers: ClinVar variation 1315211 (VCV001315211.4), dbSNP rs2147964995, ClinGen allele CA410781423.